The following is an entry in ClinVar:

ClinVar aggregate classification (germline): Uncertain significance. Review status: criteria provided, multiple submitters, no conflicts (2 of 4 stars). 2 submissions from 2 submitters: Uncertain significance (2). Last evaluated 2025-04-09.

Conditions:
UNC13A-related disorder. Also called: UNC13A-related condition.

Allele frequency attached by ClinVar (database versions not stated): ExAC 0.00002; gnomAD 0.00003; TOPMed 0.00006.
gnomAD v4.1: 64 of 1,613,580 alleles (0.004%); highest among the groups gnomAD compares: Non-Finnish European, 0.0046%; no homozygotes.

Submissions (2):

PreventionGenetics, part of Exact Sciences
Classification: Uncertain significance for UNC13A-related condition. Last evaluated: 2025-04-09. Review status: criteria provided, single submitter. Criteria: ACMG Guidelines, 2015. Collection method: clinical testing. Allele origin: germline.
Comment: The UNC13A c.1397G>A variant is predicted to result in the amino acid substitution p.Arg466Gln. To our knowledge, this variant has not been reported in the literature. This variant is reported in 0.0071% of alleles in individuals of European (Non-Finnish) descent in gnomAD. At this time, the clinical significance of this variant is uncertain due to the absence of conclusive functional and genetic evidence.

Ambry Genetics
Classification: Uncertain significance. Last evaluated: 2022-06-24. Review status: criteria provided, single submitter. Criteria: Ambry Variant Classification Scheme 2023. Collection method: clinical testing. Allele origin: germline.

NM_001080421.3(UNC13A):c.1397G>A (p.Arg466Gln)

Gene: UNC13A (unc-13 homolog A; minus strand). Cytogenetic location: 19p13.11.
Variant type: single nucleotide variant.
Coding change: c.1397G>A on transcript NM_001080421.3 (MANE Select); coding-DNA position 1397, G replaced by A.
Protein change: p.Arg466Gln; replaces arginine 466 with glutamine.
Molecular consequence: missense variant.
Genome position (GRCh38, 1-based): chr19:17,652,673, C>T on the plus strand (G>A on the coding strand, the complement: UNC13A is on the minus strand). VCF-style: chr19-17652673-C-T. GRCh37 (hg19) VCF-style: chr19-17763482-C-T.
Other names: c.1397G>A, p.Arg466Gln (NM_001387021.1, NM_001387022.1, NM_001387023.1); short protein forms R466Q.
Identifiers: ClinVar variation 2296939 (VCV002296939.3), dbSNP rs769430666, ClinGen allele CA9298513.